The following is an entry in ClinVar:

NM_000093.5(COL5A1):c.1935+8T>G

Gene: COL5A1 (collagen type V alpha 1 chain; plus strand). Cytogenetic location: 9q34.3.
Variant type: single nucleotide variant.
Coding change: c.1935+8T>G on transcript NM_000093.5 (MANE Select); 8 bases into the intron after coding-DNA position 1935, T replaced by G.
Molecular consequence: intron variant.
Genome position (GRCh38, 1-based): chr9:134,758,304, T>G. VCF-style: chr9-134758304-T-G. GRCh37 (hg19) VCF-style: chr9-137650150-T-G.
Other names: p.?; c.1935+8T>G (NM_001278074.1).
Identifiers: ClinVar variation 136863 (VCV000136863.39), dbSNP rs79195626, ClinGen allele CA290231.

ClinVar aggregate classification (germline): Benign/Likely benign. Review status: criteria provided, multiple submitters, no conflicts (2 of 4 stars). 13 submissions from 12 submitters: Benign (10); Likely benign (1). 2 of the submissions do not count toward it. Last evaluated 2026-03-27.

Conditions:
Fibromuscular dysplasia, multifocal. Identifiers: MedGen C5543412, MONDO:0859151, OMIM 619329.
Ehlers-Danlos syndrome (EDS). Identifiers: Orphanet 98249, MedGen C0013720, MONDO:0020066.
Ehlers-Danlos syndrome, classic type, 1 (EDSCL1). Also called: Ehlers-Danlos syndrome, type 1; Ehlers-Danlos Syndrome, Classic Type, COL5A1-Related; EDS I; EHLERS-DANLOS SYNDROME, GRAVIS TYPE; EHLERS-DANLOS SYNDROME, SEVERE CLASSIC TYPE. Identifiers: MedGen C0268335, MONDO:0019567, OMIM 130000.

Allele frequency attached by ClinVar (database versions not stated): gnomAD 0.02225 and 0.02373; 1000 Genomes Project 0.02276; TOPMed 0.02443; gnomAD exomes 0.00571 and 0.00205; ESP Exome Variant Server 0.02468; 1000 Genomes Project 30x 0.02608; ExAC 0.00719.
gnomAD v4.1: 6,557 of 1,613,524 alleles (0.41%); highest among the groups gnomAD compares: African/African-American, 7.6%; 251 homozygotes.

Submissions (13):

Molecular Diagnostic Laboratory for Inherited Cardiovascular Disease, Montreal Heart Institute
Classification: Benign. Last evaluated: 2026-03-27. Review status: criteria provided, single submitter. Criteria: ACMG Guidelines, 2015. Collection method: clinical testing. Allele origin: germline. Affected: no.
Comment: BA1

Labcorp Genetics (formerly Invitae), Labcorp
Classification: Benign for Ehlers-Danlos syndrome, classic type, 1. Last evaluated: 2026-02-02. Review status: criteria provided, single submitter. Criteria: Invitae Variant Classification Sherloc (09022015). Collection method: clinical testing. Allele origin: germline.

ARUP Laboratories, Molecular Genetics and Genomics, ARUP Laboratories
Classification: Benign. Last evaluated: 2025-06-16. Review status: criteria provided, single submitter. Criteria: ARUP Molecular Germline Variant Investigation Process 2024. Collection method: clinical testing. Allele origin: germline.

Women's Health and Genetics/Laboratory Corporation of America, LabCorp
Classification: Benign. Last evaluated: 2023-07-21. Review status: criteria provided, single submitter. Criteria: LabCorp Variant Classification Summary - May 2015. Collection method: clinical testing. Allele origin: germline.

Genome Diagnostics Laboratory, The Hospital for Sick Children
Classification: Benign for Ehlers-Danlos syndrome. Last evaluated: 2022-03-15. Review status: criteria provided, single submitter. Criteria: ACMG Guidelines, 2015. Collection method: clinical testing. Allele origin: germline.

Genome-Nilou Lab
Classification: Benign for Ehlers-Danlos syndrome, classic type, 1. Last evaluated: 2022-03-15. Review status: criteria provided, single submitter. Criteria: ACMG Guidelines, 2015. Collection method: clinical testing. Allele origin: germline. Affected: no.

Genome-Nilou Lab
Classification: Benign for Fibromuscular dysplasia, multifocal. Last evaluated: 2022-03-15. Review status: criteria provided, single submitter. Criteria: ACMG Guidelines, 2015. Collection method: clinical testing. Allele origin: germline. Affected: no.

Mayo Clinic Laboratories, Mayo Clinic
Classification: Benign. Last evaluated: 2018-07-05. Review status: criteria provided, single submitter. Criteria: ACMG Guidelines, 2015. Collection method: clinical testing. Allele origin: germline. Observed: 37 variant alleles.

GeneDx
Classification: Benign. Last evaluated: 2013-10-21. Review status: criteria provided, single submitter. Criteria: GeneDx Variant Classification (06012015). Collection method: clinical testing. Allele origin: germline. Affected: yes.
Comment: This variant is considered likely benign or benign based on one or more of the following criteria: it is a conservative change, it occurs at a poorly conserved position in the protein, it is predicted to be benign by multiple in silico algorithms, and/or has population frequency not consistent with disease.

Breakthrough Genomics
Classification: Likely benign. Review status: criteria provided, single submitter. Criteria: ACMG Guidelines, 2015. Collection method: not provided. Allele origin: germline. Inheritance: Autosomal dominant inheritance. Affected: yes.

PreventionGenetics, part of Exact Sciences
Classification: Benign. Review status: criteria provided, single submitter. Criteria: ACMG Guidelines, 2015. Collection method: clinical testing. Allele origin: germline.

Genome Diagnostics Laboratory, Amsterdam University Medical Center
Classification: Benign. Review status: no assertion criteria provided. Collection method: clinical testing. Allele origin: germline. Affected: yes. Study: VKGL Data-share Consensus. Not counted in ClinVar's aggregate classification.

Genome Diagnostics Laboratory, University Medical Center Utrecht
Classification: Benign. Review status: no assertion criteria provided. Collection method: clinical testing. Allele origin: germline. Affected: yes. Study: VKGL Data-share Consensus. Not counted in ClinVar's aggregate classification.